The following is an entry in ClinVar:

ClinVar aggregate classification (germline): Benign. Review status: criteria provided, multiple submitters, no conflicts (2 of 4 stars). 5 submissions from 5 submitters: Benign (3). 2 of the submissions do not count toward it. Last evaluated 2024-11-27.

Conditions:
Neuronal ceroid lipofuscinosis 2. Also called: TPP1-Related Neuronal Ceroid-Lipofuscinosis; JANSKY-BIELSCHOWSKY DISEASE NEURONAL CEROID LIPOFUSCINOSIS, LATE INFANTILE. Identifiers: Orphanet 168491, Orphanet 228349, Orphanet 79264, MedGen C1876161, MONDO:0008769, OMIM 204500.

Submissions (5):

Blueprint Genetics
Classification: Benign. Last evaluated: 2024-11-27. Review status: criteria provided, single submitter. Criteria: ACMG Guidelines, 2015. Collection method: clinical testing. Allele origin: germline.

Unidad de Genómica Garrahan, Hospital de Pediatría Garrahan
Classification: Benign. Last evaluated: 2024-07-15. Review status: criteria provided, single submitter. Criteria: ACMG Guidelines, 2015. Collection method: clinical testing. Allele origin: germline. Affected: no. Observed: 34 variant alleles.
Comment: This variant is classified as Benign based on local population frequency. This variant was detected in 37% of patients studied in a panel designed for Epileptic and Developmental Encephalopathy and Progressive Myoclonus Epilepsy. Number of patients: 34. Only high quality variants are reported.

GeneDx
Classification: Benign. Last evaluated: 2018-06-12. Review status: criteria provided, single submitter. Criteria: GeneDx Variant Classification Process June 2021. Collection method: clinical testing. Allele origin: germline. Affected: yes.

Natera, Inc.
Classification: Benign for Neuronal ceroid lipofuscinosis 2. Last evaluated: 2020-09-16. Review status: no assertion criteria provided. Collection method: clinical testing. Allele origin: germline. Not counted in ClinVar's aggregate classification.

Mayo Clinic Laboratories, Mayo Clinic
Classification: Benign. Last evaluated: 2015-10-22. Review status: no assertion criteria provided. Collection method: clinical testing. Allele origin: unknown. Not counted in ClinVar's aggregate classification.

NM_000391.4(TPP1):c.887-7_887-6del

Gene: TPP1 (tripeptidyl peptidase 1; minus strand). Cytogenetic location: 11p15.4.
Variant type: Deletion.
Coding change: c.887-7_887-6del on transcript NM_000391.4 (MANE Select); 7 bases into the intron before coding-DNA position 887 through 6 bases into the intron before coding-DNA position 887, 2 bases deleted (AA; older notation c.887-7_887-6delAA).
Molecular consequence: intron variant.
Genome position (GRCh38, 1-based): chr11:6,616,509-6,616,510, TT deleted on the plus strand (AA on the coding strand, the reverse complement: TPP1 is on the minus strand); deleting any 2 consecutive bases within chr11:6,616,509-6,616,528 gives the same sequence; the c. name uses the placement nearest the transcript's 3' end. VCF-style (leftmost placement, unchanged base first): chr11-6616508-ATT-A. GRCh37 (hg19) VCF-style: chr11-6637739-ATT-A.
Other names: c.887-7_887-6delAA (NM_000391.4).
Identifiers: ClinVar variation 305513 (VCV000305513.14), dbSNP rs35039601, ClinGen allele CA5858812.